The following is an entry in ClinVar:

ClinVar aggregate classification (germline): Uncertain significance (1 of 4 stars; one submission).

Submission:

Labcorp Genetics (formerly Invitae), Labcorp
Classification: Uncertain significance. Last evaluated: 2025-01-06. Review status: criteria provided, single submitter. Criteria: Invitae Variant Classification Sherloc (09022015). Collection method: clinical testing. Allele origin: germline.
Comment: This sequence change replaces methionine, which is neutral and non-polar, with valine, which is neutral and non-polar, at codon 161 of the PDZD7 protein (p.Met161Val). This variant is present in population databases (rs372777810, gnomAD 0.003%). This variant has not been reported in the literature in individuals affected with PDZD7-related conditions. ClinVar contains an entry for this variant (Variation ID: 1490687). Invitae Evidence Modeling of protein sequence and biophysical properties (such as structural, functional, and spatial information, amino acid conservation, physicochemical variation, residue mobility, and thermodynamic stability) indicates that this missense variant is not expected to disrupt PDZD7 protein function with a negative predictive value of 80%. In summary, the available evidence is currently insufficient to determine the role of this variant in disease. Therefore, it has been classified as a Variant of Uncertain Significance.

NM_001195263.2(PDZD7):c.481A>G (p.Met161Val)

Gene: PDZD7 (PDZ domain containing 7; minus strand). Cytogenetic location: 10q24.31.
Variant type: single nucleotide variant.
Coding change: c.481A>G on transcript NM_001195263.2 (MANE Select); coding-DNA position 481, A replaced by G.
Protein change: p.Met161Val; replaces methionine 161 with valine.
Molecular consequence: missense variant.
Genome position (GRCh38, 1-based): chr10:101,023,497, T>C on the plus strand (A>G on the coding strand, the complement: PDZD7 is on the minus strand). VCF-style: chr10-101023497-T-C. GRCh37 (hg19) VCF-style: chr10-102783254-T-C.
Other names: c.481A>G, p.Met161Val (NM_001351044.2, NM_024895.5); short protein forms M161V.
Identifiers: ClinVar variation 1490687 (VCV001490687.6), dbSNP rs372777810, ClinGen allele CA5654376.